The following is an entry in ClinVar:

NM_173598.6(KSR2):c.1104C>T (p.Phe368=)

Gene: KSR2 (kinase suppressor of ras 2; minus strand). Cytogenetic location: 12q24.22.
Variant type: single nucleotide variant.
Coding change: c.1104C>T on transcript NM_173598.6 (MANE Select); coding-DNA position 1104, C replaced by T.
Protein change: p.Phe368=; no amino-acid change (phenylalanine 368 retained).
Molecular consequence: synonymous variant.
Genome position (GRCh38, 1-based): chr12:117,667,541, G>A on the plus strand (C>T on the coding strand, the complement: KSR2 is on the minus strand). VCF-style: chr12-117667541-G-A. GRCh37 (hg19) VCF-style: chr12-118105346-G-A.
Identifiers: ClinVar variation 3351496 (VCV003351496.1).

ClinVar aggregate classification (germline): Likely benign (0 of 4 stars; one submission).

Conditions:
KSR2-related disorder. Also called: KSR2-related condition.

gnomAD v4.1: 18 of 1,612,974 alleles (0.0011%); highest among the groups gnomAD compares: Non-Finnish European, 0.00017%; no homozygotes.

Submission:

PreventionGenetics, part of Exact Sciences
Classification: Likely benign for KSR2-related condition. Last evaluated: 2020-08-21. Review status: no assertion criteria provided. Collection method: clinical testing. Allele origin: germline.
Comment: This variant is classified as likely benign based on ACMG/AMP sequence variant interpretation guidelines (Richards et al. 2015 PMID: 25741868, with internal and published modifications).